The following is an entry in ClinVar:

ClinVar aggregate classification (germline): Uncertain significance (1 of 4 stars; one submission).

Submission:

GeneDx
Classification: Uncertain significance. Last evaluated: 2018-05-17. Review status: criteria provided, single submitter. Criteria: GeneDx Variant Classification (06012015). Collection method: clinical testing. Allele origin: germline. Affected: yes.
Comment: The c.877_878delTTinsGC variant has not been published as a pathogenic variant, nor has it been reported as a benign variant to our knowledge. The c.877_878delTTinsGC variant is not observed in large population cohorts (Lek et al., 2016). This variant results in a deletion of two nucleotides (TT) and an insertion of two nucleotides (GC), resulting in a single amino acid substitution of Phenylalanine to Alanine at position 293, denoted as p.F293A. This is a semi-conservative amino acid substitution, which may impact secondary protein structure as these residues differ in some properties and in-silico analyses, including protein predictors and evolutionary conservation, support a deleterious effect. In summary, based on the currently available information, it is unclear whether this variant is a pathogenic variant or a rare benign variant.

NM_016203.4(PRKAG2):c.877_878delinsGC (p.Phe293Ala)

Gene: PRKAG2 (protein kinase AMP-activated non-catalytic subunit gamma 2; minus strand). Cytogenetic location: 7q36.1.
Variant type: Indel.
Coding change: c.877_878delinsGC on transcript NM_016203.4 (MANE Select); coding-DNA positions 877 to 878, TT replaced by GC.
Protein change: p.Phe293Ala; replaces phenylalanine 293 with alanine.
Molecular consequence: missense variant.
Genome position (GRCh38, 1-based): chr7:151,576,439-151,576,440, AA replaced by GC on the plus strand (TT replaced by GC on the coding strand, the reverse complement: PRKAG2 is on the minus strand). VCF-style: chr7-151576439-AA-GC. GRCh37 (hg19) VCF-style: chr7-151273525-AA-GC.
Other names: c.745_746delinsGC, p.Phe249Ala (NM_001040633.2); c.502_503delinsGC, p.Phe168Ala (NM_001304527.2); c.154_155delinsGC, p.Phe52Ala (NM_001304531.2, NM_024429.2); c.505_506delinsGC, p.Phe169Ala (NM_001363698.2); short protein forms F249A, F293A, F169A, F168A, F52A.
Identifiers: ClinVar variation 546330 (VCV000546330.2), dbSNP rs1554465580, ClinGen allele CA658822617.